The following is an entry in ClinVar:

NM_001267550.2(TTN):c.23180G>A (p.Gly7727Glu)

Gene: TTN (titin; minus strand). Cytogenetic location: 2q31.2.
Variant type: single nucleotide variant.
Coding change: c.23180G>A on transcript NM_001267550.2 (MANE Select); coding-DNA position 23180, G replaced by A.
Protein change: p.Gly7727Glu; replaces glycine 7727 with glutamic acid.
Molecular consequence: missense variant. On other transcripts: intron variant (3).
Genome position (GRCh38, 1-based): chr2:178,720,582, C>T on the plus strand (G>A on the coding strand, the complement: TTN is on the minus strand). VCF-style: chr2-178720582-C-T. GRCh37 (hg19) VCF-style: chr2-179585309-C-T.
Other names: c.22229G>A, p.Gly7410Glu (NM_001256850.1); c.19448G>A, p.Gly6483Glu (NM_133378.4); c.13282+17500G>A (NM_003319.4); c.13858+17500G>A (NM_133437.4); c.13657+17500G>A (NM_133432.3); short protein forms G6483E, G7410E, G7727E.
Identifiers: ClinVar variation 2651685 (VCV002651685.24), dbSNP rs763907919, ClinGen allele CA2000685.

ClinVar aggregate classification (germline): Uncertain significance. Review status: criteria provided, single submitter (1 of 4 stars). 2 submissions from 2 submitters: Uncertain significance (1). 1 of the submissions does not count toward it. Last evaluated 2022-08-01.

Conditions:
TTN-related disorder. Also called: TTN-related condition; TTN-related disease; TTN-related disorders.

Allele frequency attached by ClinVar (database versions not stated): gnomAD exomes below 0.00001; ExAC 0.00001.
gnomAD v4.1: 2 of 1,613,228 alleles (0.00012%); highest among the groups gnomAD compares: Non-Finnish European, 0.00017%; no homozygotes.

Submissions (2):

CeGaT Center for Human Genetics Tuebingen
Classification: Uncertain significance. Last evaluated: 2022-08-01. Review status: criteria provided, single submitter. Criteria: CeGaT Center For Human Genetics Tuebingen Variant Classification Criteria Version 2. Collection method: clinical testing. Allele origin: germline. Affected: yes. Observed: 1 variant allele.
Comment: TTN: PM2, PP3

PreventionGenetics, part of Exact Sciences
Classification: Uncertain significance for TTN-related condition. Last evaluated: 2024-08-13. Review status: no assertion criteria provided. Collection method: clinical testing. Allele origin: germline. Not counted in ClinVar's aggregate classification.
Comment: The TTN c.23180G>A variant is predicted to result in the amino acid substitution p.Gly7727Glu. To our knowledge, this variant has not been reported in the literature. This variant is reported in 0.00089% of alleles in individuals of European (Non-Finnish) descent in gnomAD. At this time, the clinical significance of this variant is uncertain due to the absence of conclusive functional and genetic evidence.